The following is an entry in ClinVar:

ClinVar aggregate classification (germline): Uncertain significance (1 of 4 stars; one submission).

Allele frequency attached by ClinVar (database versions not stated): TOPMed 0.00001.

Submission:

Labcorp Genetics (formerly Invitae), Labcorp
Classification: Uncertain significance. Last evaluated: 2022-04-12. Review status: criteria provided, single submitter. Criteria: Invitae Variant Classification Sherloc (09022015). Collection method: clinical testing. Allele origin: germline.
Comment: In summary, the available evidence is currently insufficient to determine the role of this variant in disease. Therefore, it has been classified as a Variant of Uncertain Significance. Algorithms developed to predict the effect of missense changes on protein structure and function (SIFT, PolyPhen-2, Align-GVGD) all suggest that this variant is likely to be tolerated. This variant has not been reported in the literature in individuals affected with C1QC-related conditions. This variant is not present in population databases (gnomAD no frequency). This sequence change replaces isoleucine, which is neutral and non-polar, with valine, which is neutral and non-polar, at codon 104 of the C1QC protein (p.Ile104Val).

NM_172369.5(C1QC):c.310A>G (p.Ile104Val)

Gene: C1QC (complement C1q C chain; plus strand). Cytogenetic location: 1p36.12.
Variant type: single nucleotide variant.
Coding change: c.310A>G on transcript NM_172369.5 (MANE Select); coding-DNA position 310, A replaced by G.
Protein change: p.Ile104Val; replaces isoleucine 104 with valine.
Molecular consequence: missense variant.
Genome position (GRCh38, 1-based): chr1:22,647,355, A>G. VCF-style: chr1-22647355-A-G. GRCh37 (hg19) VCF-style: chr1-22973848-A-G.
Other names: c.310A>G, p.Ile104Val (NM_001114101.3, NM_001347619.2); c.43A>G, p.Ile15Val (NM_001347620.2); short protein forms I104V, I15V.
Identifiers: ClinVar variation 2124756 (VCV002124756.4), dbSNP rs1642386311, ClinGen allele CA338935882.